The following is an entry in ClinVar:

ClinVar aggregate classification (germline): Uncertain significance. Review status: criteria provided, multiple submitters, no conflicts (2 of 4 stars). 2 submissions from 2 submitters: Uncertain significance (2). Last evaluated 2024-07-08.

Conditions:
Hereditary cancer-predisposing syndrome. Also called: Neoplastic Syndromes, Hereditary; Tumor predisposition; Hereditary Cancer Syndrome; Hereditary neoplastic syndrome. Identifiers: Orphanet 140162, MedGen C0027672, MeSH D009386, MONDO:0015356.
Renal cell carcinoma. Identifiers: Orphanet 217071, MedGen C0007134, MeSH D002292, MONDO:0005086, HP:0005584.

Submissions (2):

Labcorp Genetics (formerly Invitae), Labcorp
Classification: Uncertain significance for Renal cell carcinoma. Last evaluated: 2024-07-08. Review status: criteria provided, single submitter. Criteria: Invitae Variant Classification Sherloc (09022015). Collection method: clinical testing. Allele origin: germline.
Comment: This sequence change replaces asparagine, which is neutral and polar, with isoleucine, which is neutral and non-polar, at codon 730 of the MET protein (p.Asn730Ile). This variant is not present in population databases (gnomAD no frequency). This variant has not been reported in the literature in individuals affected with MET-related conditions. ClinVar contains an entry for this variant (Variation ID: 1787377). Advanced modeling of protein sequence and biophysical properties (such as structural, functional, and spatial information, amino acid conservation, physicochemical variation, residue mobility, and thermodynamic stability) performed at Invitae indicates that this missense variant is not expected to disrupt MET protein function with a negative predictive value of 80%. In summary, the available evidence is currently insufficient to determine the role of this variant in disease. Therefore, it has been classified as a Variant of Uncertain Significance.

Ambry Genetics
Classification: Uncertain significance for Hereditary cancer-predisposing syndrome. Last evaluated: 2021-12-29. Review status: criteria provided, single submitter. Criteria: Ambry Variant Classification Scheme 2023. Collection method: clinical testing. Allele origin: germline.
Comment: The p.N730I variant (also known as c.2189A>T), located in coding exon 8 of the MET gene, results from an A to T substitution at nucleotide position 2189. The asparagine at codon 730 is replaced by isoleucine, an amino acid with dissimilar properties. This amino acid position is not well conserved in available vertebrate species. In addition, this alteration is predicted to be tolerated by in silico analysis. Since supporting evidence is limited at this time, the clinical significance of this alteration remains unclear.

NM_000245.4(MET):c.2189A>T (p.Asn730Ile)

Gene: MET (MET proto-oncogene, receptor tyrosine kinase; plus strand). Cytogenetic location: 7q31.2.
Variant type: single nucleotide variant.
Coding change: c.2189A>T on transcript NM_000245.4 (MANE Select); coding-DNA position 2189, A replaced by T.
Protein change: p.Asn730Ile; replaces asparagine 730 with isoleucine.
Molecular consequence: missense variant.
Genome position (GRCh38, 1-based): chr7:116,758,545, A>T. VCF-style: chr7-116758545-A-T. GRCh37 (hg19) VCF-style: chr7-116398599-A-T.
Other names: c.2189A>T, p.Asn730Ile (NM_001127500.3, NM_001324401.3); c.899A>T, p.Asn300Ile (NM_001324402.2); short protein forms N730I, N300I.
Identifiers: ClinVar variation 1787377 (VCV001787377.8), dbSNP rs2116931508, ClinGen allele CA368980671.